The following is an entry in ClinVar:

NM_001036.6(RYR3):c.4261A>G (p.Met1421Val)

Gene: RYR3 (ryanodine receptor 3; plus strand). Cytogenetic location: 15q14.
Variant type: single nucleotide variant.
Coding change: c.4261A>G on transcript NM_001036.6 (MANE Select); coding-DNA position 4261, A replaced by G.
Protein change: p.Met1421Val; replaces methionine 1421 with valine.
Molecular consequence: missense variant.
Genome position (GRCh38, 1-based): chr15:33,652,836, A>G. VCF-style: chr15-33652836-A-G. GRCh37 (hg19) VCF-style: chr15-33945037-A-G.
Other names: c.4261A>G (NM_001036.3); c.4261A>G, p.Met1421Val (NM_001243996.4); short protein forms M1421V.
Identifiers: ClinVar variation 3234337 (VCV003234337.20), dbSNP rs770856079, ClinGen allele CA7458944.
Genomic context (GRCh38, chr15:33,652,836, plus strand): 5'-AGATCAAATCGGAGCAACGTGGACCTGGAGATCGGCTGTCTCGTGGATCTGGCCATGGGC[A>G]TGTTGTCCTTCTCAGCCAATGGAAAGGAACTGGGCACCTGCTACCAGGTAAGGGCGGCTT-3'
Protein context (NP_001027.3, residues 1411-1431): IGCLVDLAMG[Met1421Val]LSFSANGKEL

ClinVar aggregate classification (germline): Uncertain significance. Review status: criteria provided, multiple submitters, no conflicts (2 of 4 stars). 2 submissions from 2 submitters: Uncertain significance (2). Last evaluated 2025-11-24.

Allele frequency attached by ClinVar (database versions not stated): gnomAD exomes below 0.00001; TOPMed below 0.00001; ExAC 0.00001.

Submissions (2):

Ambry Genetics
Classification: Uncertain significance. Last evaluated: 2025-11-24. Review status: criteria provided, single submitter. Criteria: Ambry Variant Classification Scheme 2023. Collection method: clinical testing. Allele origin: germline.

CeGaT Center for Human Genetics Tuebingen
Classification: Uncertain significance. Last evaluated: 2024-04-01. Review status: criteria provided, single submitter. Criteria: CeGaT Center For Human Genetics Tuebingen Variant Classification Criteria Version 2. Collection method: clinical testing. Allele origin: germline. Affected: yes. Observed: 1 variant allele.
Comment: RYR3: PM2:Supporting